The following is an entry in ClinVar:

ClinVar aggregate classification (germline): Uncertain significance (1 of 4 stars; one submission).

Conditions:
Primary ciliary dyskinesia. Also called: Ciliary dyskinesia. Identifiers: Orphanet 244, MedGen C0008780, MONDO:0016575, HP:0012265.

Allele frequency attached by ClinVar (database versions not stated): TOPMed 0.00012; ExAC 0.00013; gnomAD 0.00013; gnomAD exomes 0.00025; ESP Exome Variant Server 0.00049.

Submission:

Ambry Genetics
Classification: Uncertain significance for Primary ciliary dyskinesia. Last evaluated: 2015-08-21. Review status: criteria provided, single submitter. Criteria: Ambry Variant Classification Scheme 2023. Collection method: clinical testing. Allele origin: germline.
Comment: The c.654+27_654+28delAA alteration is located in Intron 7 (E) of the OFD1 gene. This alteration consists of a deletion of 2 nucleotides at nucleotide position c.65427 Intron 7 (E). Based on insufficient or conflicting evidence, the clinical significance of this alteration remains unclear.

NM_003611.3(OFD1):c.654+27_654+28del

Gene: OFD1 (OFD1 centriole and centriolar satellite protein; plus strand). Cytogenetic location: Xp22.2.
Variant type: Deletion.
Coding change: c.654+27_654+28del on transcript NM_003611.3 (MANE Select); bases 27 to 28 of the intron after coding-DNA position 654, 2 bases deleted (AA; older notation c.654+27_654+28delAA).
Molecular consequence: intron variant.
Genome position (GRCh38, 1-based): chrX:13,746,482-13,746,483, AA deleted. VCF-style (leftmost placement, unchanged base first): chrX-13746481-CAA-C. GRCh37 (hg19) VCF-style: chrX-13764600-CAA-C.
Other names: c.234+27_234+28del (NM_001330210.2); c.654+27_654+28del (NM_001330209.2).
Identifiers: ClinVar variation 3076159 (VCV003076159.1), dbSNP rs767617604, ClinGen allele CA10351658.
Genomic context (GRCh38, chrX:13,746,481, plus strand): 5'-TAGAAGAGCAACTTCGGGCAGAAATGTGTCAAAAGGTAAGCTTTATCTTGTTACTGTAAA[CAA>C]GAGTGATGTTTTTGTTTGTCTTCTAAAGTCTTAACCATAGGTATATGGGAAAATATCTAG-3'